The following is an entry in ClinVar:

NM_000289.6(PFKM):c.2092+17C>T

Gene: PFKM (phosphofructokinase, muscle; plus strand). Cytogenetic location: 12q13.11.
Variant type: single nucleotide variant.
Coding change: c.2092+17C>T on transcript NM_000289.6 (MANE Select); 17 bases into the intron after coding-DNA position 2092, C replaced by T.
Molecular consequence: intron variant.
Genome position (GRCh38, 1-based): chr12:48,145,147, C>T. VCF-style: chr12-48145147-C-T. GRCh37 (hg19) VCF-style: chr12-48538930-C-T.
Other names: c.2116+17C>T (NM_001354741.2); c.2092+17C>T (NM_001354742.2, NM_001354743.2, NM_001354744.2 and 2 more transcripts); c.1942+17C>T (NM_001354747.2, NM_001354748.2); c.2305+17C>T (NM_001166686.2, NM_001354737.1, NM_001354739.1 and 1 more transcripts); c.2401+17C>T (NM_001354736.1, NM_001354735.1); c.2236+17C>T (NM_001354740.1); c.2005+17C>T (NM_001354745.2); c.1966+17C>T (NM_001354746.2); and 1 more.
Identifiers: ClinVar variation 507990 (VCV000507990.5), dbSNP rs773403779, ClinGen allele CA6537530.

ClinVar aggregate classification (germline): Likely benign. Review status: criteria provided, multiple submitters, no conflicts (2 of 4 stars). 2 submissions from 2 submitters: Likely benign (2). Last evaluated 2026-01-26.

Conditions:
Glycogen storage disease, type VII (GSD7). Also called: GSD VII; PFKM DEFICIENCY; TARUI DISEASE; MUSCLE PHOSPHOFRUCTOKINASE DEFICIENCY. Identifiers: Orphanet 371, MedGen C0017926, MONDO:0009295, OMIM 232800.

Allele frequency attached by ClinVar (database versions not stated): TOPMed 0.00001; ExAC 0.00003; gnomAD exomes 0.00003.
gnomAD v4.1: 12 of 1,609,296 alleles (0.00075%); highest among the groups gnomAD compares: East Asian, 0.011%; no homozygotes.

Submissions (2):

Labcorp Genetics (formerly Invitae), Labcorp
Classification: Likely benign for Glycogen storage disease, type VII. Last evaluated: 2026-01-26. Review status: criteria provided, single submitter. Criteria: Invitae Variant Classification Sherloc (09022015). Collection method: clinical testing. Allele origin: germline.

GeneDx
Classification: Likely benign. Last evaluated: 2017-03-28. Review status: criteria provided, single submitter. Criteria: GeneDx Variant Classification (06012015). Collection method: clinical testing. Allele origin: germline. Affected: yes.
Comment: This variant is considered likely benign or benign based on one or more of the following criteria: it is a conservative change, it occurs at a poorly conserved position in the protein, it is predicted to be benign by multiple in silico algorithms, and/or has population frequency not consistent with disease.